The following is an entry in ClinVar:

ClinVar aggregate classification (germline): Conflicting classifications of pathogenicity. Review status: criteria provided, conflicting classifications (1 of 4 stars). 3 submissions from 3 submitters: Uncertain significance (1); Likely benign (2). Last evaluated 2026-09-01.

Conditions:
Dicarboxylic aminoaciduria (DCBXA). Also called: GLUTAMATE-ASPARTATE TRANSPORT DEFECT. Identifiers: Orphanet 2195, MedGen C1857253, MONDO:0009110, OMIM 222730.

Allele frequency attached by ClinVar (database versions not stated): gnomAD 0.00027 and 0.00029; TOPMed 0.00028; ExAC 0.00031; gnomAD exomes 0.00036 and 0.00045; 1000 Genomes Project 0.00040; ESP Exome Variant Server 0.00046; 1000 Genomes Project 30x 0.00047.
gnomAD v4.1: 707 of 1,614,182 alleles (0.044%); highest among the groups gnomAD compares: Middle Eastern, 0.12%; no homozygotes.

Submissions (3):

CeGaT Center for Human Genetics Tuebingen
Classification: Likely benign. Last evaluated: 2026-09-01. Review status: criteria provided, single submitter. Criteria: CeGaT Center For Human Genetics Tuebingen Variant Classification Criteria Version 2. Collection method: clinical testing. Allele origin: germline. Affected: yes. Observed: 1 variant allele.
Comment: SLC1A1: BP4, BP7

Labcorp Genetics (formerly Invitae), Labcorp
Classification: Likely benign. Last evaluated: 2019-12-31. Review status: criteria provided, single submitter. Criteria: Invitae Variant Classification Sherloc (09022015). Collection method: clinical testing. Allele origin: germline.

Illumina Laboratory Services, Illumina
Classification: Uncertain significance for Dicarboxylic aminoaciduria. Last evaluated: 2018-01-12. Review status: criteria provided, single submitter. Criteria: ICSL Variant Classification Criteria 13 December 2019. Collection method: clinical testing. Allele origin: germline.

NM_004170.6(SLC1A1):c.1200G>A (p.Thr400=)

Gene: SLC1A1 (solute carrier family 1 member 1; plus strand). Cytogenetic location: 9p24.2.
Variant type: single nucleotide variant.
Coding change: c.1200G>A on transcript NM_004170.6 (MANE Select); coding-DNA position 1200, G replaced by A.
Protein change: p.Thr400=; no amino-acid change (threonine 400 retained).
Molecular consequence: synonymous variant.
Genome position (GRCh38, 1-based): chr9:4,583,044, G>A. VCF-style: chr9-4583044-G-A. GRCh37 (hg19) VCF-style: chr9-4583044-G-A.
Identifiers: ClinVar variation 713810 (VCV000713810.9), dbSNP rs144334183, ClinGen allele CA4969275.